The following is an entry in ClinVar:

ClinVar aggregate classification (germline): Conflicting classifications of pathogenicity. Review status: criteria provided, conflicting classifications (1 of 4 stars). 5 submissions from 5 submitters: Uncertain significance (2); Likely benign (3). Last evaluated 2026-08-09.

Conditions:
DICER1-related disorder. Also called: DICER1-related condition.
DICER1-related tumor predisposition. Also called: DICER1 syndrome; DICER1-related pleuropulmonary blastoma cancer predisposition syndrome. Identifiers: Orphanet 284343, MedGen C3839822, MONDO:0100216.
Hereditary cancer-predisposing syndrome. Also called: Neoplastic Syndromes, Hereditary; Hereditary neoplastic syndrome; Hereditary Cancer Syndrome; Tumor predisposition. Identifiers: Orphanet 140162, MedGen C0027672, MeSH D009386, MONDO:0015356.

Allele frequency attached by ClinVar (database versions not stated): gnomAD exomes below 0.00001 and 0.00001; ExAC 0.00001; gnomAD 0.00001; TOPMed 0.00001.
gnomAD v4.1: 7 of 1,614,018 alleles (0.00043%); highest among the groups gnomAD compares: Admixed American, 0.005%; no homozygotes.

Submissions (5):

PreventionGenetics, part of Exact Sciences
Classification: Likely benign for DICER1-related condition. Last evaluated: 2026-08-09. Review status: criteria provided, single submitter. Criteria: ACMG Guidelines, 2015. Collection method: clinical testing. Allele origin: germline.
Comment: This variant is classified as likely benign based on ACMG/AMP sequence variant interpretation guidelines (Richards et al. 2015 PMID: 25741868, with internal and published modifications).

Myriad Genetics, Inc.
Classification: Likely benign for DICER1-related tumor predisposition. Last evaluated: 2026-04-14. Review status: criteria provided, single submitter. Criteria: Myriad Autosomal Dominant, Autosomal Recessive and X-Linked Classification Criteria (2023). Collection method: clinical testing. Allele origin: unknown.
Comment: This variant is considered likely benign. This variant is intronic and is not expected to impact mRNA splicing.

Labcorp Genetics (formerly Invitae), Labcorp
Classification: Likely benign for DICER1-related tumor predisposition. Last evaluated: 2026-01-28. Review status: criteria provided, single submitter. Criteria: Invitae Variant Classification Sherloc (09022015). Collection method: clinical testing. Allele origin: germline.

Quest Diagnostics Nichols Institute San Juan Capistrano
Classification: Uncertain significance. Last evaluated: 2024-06-12. Review status: criteria provided, single submitter. Criteria: Quest Diagnostics criteria. Collection method: clinical testing. Allele origin: unknown.
Comment: The DICER1 c.5528-6T>C variant has not been reported in individuals with DICER1-related conditions in the published literature. The frequency of this variant in the general population, 0.000008 (2/250834 chromosomes (Genome Aggregation Database)), is uninformative in the assessment of its pathogenicity. Analysis of this variant using software algorithms for the prediction of the effect of nucleotide changes on DICER1 mRNA splicing yielded inconclusive findings. Based on the available information, we are unable to determine the clinical significance of this variant.

Sema4
Classification: Uncertain significance for Hereditary cancer-predisposing syndrome. Last evaluated: 2021-10-15. Review status: criteria provided, single submitter. Criteria: Sema4 Curation Guidelines. Collection method: curation. Allele origin: germline.
Comment: The DICER1 c.5528-6T>C variant has not been reported in the literature to our knowledge. It was observed in 2/250834 chromosomes in the large and broad cohorts of the Genome Aggregation Database (PMID: 32461654). The variant has been reported in ClinVar (Variation ID 242141). Algorithms developed to predict the effect of sequence changes on RNA splicing do not suggest negative effect, though these predictions have not been confirmed by functional studies. There is no indication that this variant causes disease, but the evidence is insufficient currently to prove that conclusively. Thus, the clinical significance of this variant is currently uncertain.

NM_177438.3(DICER1):c.5528-6T>C

Gene: DICER1 (dicer 1, ribonuclease III; minus strand). Cytogenetic location: 14q32.13.
Variant type: single nucleotide variant.
Coding change: c.5528-6T>C on transcript NM_177438.3 (MANE Select); 6 bases into the intron before coding-DNA position 5528, T replaced by C.
Molecular consequence: intron variant.
Genome position (GRCh38, 1-based): chr14:95,091,115, A>G on the plus strand (T>C on the coding strand, the complement: DICER1 is on the minus strand). VCF-style: chr14-95091115-A-G. GRCh37 (hg19) VCF-style: chr14-95557452-A-G.
Other names: c.5528-6T>C (NM_001291628.2, NM_030621.4, NM_001271282.3); c.5365-6T>C (NM_001195573.1).
Identifiers: ClinVar variation 242141 (VCV000242141.15), dbSNP rs773875981, ClinGen allele CA7330635.